The following is an entry in ClinVar:

ClinVar aggregate classification (germline): Likely pathogenic (1 of 4 stars; one submission).

Conditions:
Snijders Blok-Campeau syndrome. Also called: INTELLECTUAL DEVELOPMENTAL DISORDER WITH MACROCEPHALY, SPEECH DELAY, AND DYSMORPHIC FACIES. Identifiers: Orphanet 599082, MedGen C4748701, MONDO:0032600, OMIM 618205.

Submission:

CGC Genetics, Unilabs
Classification: Likely pathogenic for Snijders Blok-Campeau syndrome. Last evaluated: 2025-08-01. Review status: criteria provided, single submitter. Criteria: ACMG Guidelines, 2015. Collection method: clinical testing. Allele origin: germline. Inheritance: Autosomal dominant inheritance. Affected: yes.
Comment: The NM_001005271.3:c.3673-2A>G p.? variant, detected in heterozygosity in intron 22 (of 40 exons) of the CHD3 gene, is not reported in the literature or in the gnomAD population database. This variant is located at a canonical splice acceptor site and is highly likely to affect splicing of exon 23. Based on the currently available information, this variant should be classified as likely pathogenic.

NM_001005273.3(CHD3):c.3496-2A>G

Gene: CHD3 (chromodomain helicase DNA binding protein 3; plus strand). Cytogenetic location: 17p13.1.
Variant type: single nucleotide variant.
Coding change: c.3496-2A>G on transcript NM_001005273.3 (MANE Select); the canonical splice acceptor site of the intron before coding-DNA position 3496, A replaced by G.
Molecular consequence: splice acceptor variant.
Genome position (GRCh38, 1-based): chr17:7,903,270, A>G. VCF-style: chr17-7903270-A-G. GRCh37 (hg19) VCF-style: chr17-7806588-A-G.
Other names: c.3673-2A>G (NM_001437504.1, NM_001005271.3); c.3661-2A>G (NM_001437509.1, NM_001437507.1, NM_001437508.1); c.3496-2A>G (NM_005852.4).
Identifiers: ClinVar variation 4851572 (VCV004851572.1).